The following is an entry in ClinVar:

NM_001005361.3(DNM2):c.1564C>T (p.Arg522Cys)

Gene: DNM2 (dynamin 2; plus strand). Cytogenetic location: 19p13.2.
Variant type: single nucleotide variant.
Coding change: c.1564C>T on transcript NM_001005361.3 (MANE Select); coding-DNA position 1564, C replaced by T.
Protein change: p.Arg522Cys; replaces arginine 522 with cysteine.
Molecular consequence: missense variant.
Genome position (GRCh38, 1-based): chr19:10,812,270, C>T. VCF-style: chr19-10812270-C-T. GRCh37 (hg19) VCF-style: chr19-10922946-C-T.
Other names: NM_001005361.3(DNM2):c.1564C>T; p.Arg522Cys; c.1564C>T, p.Arg522Cys (NM_001005360.3, NM_001190716.2); c.1552C>T, p.Arg518Cys (NM_001005362.3, NM_004945.4); c.1564C>T (NM_001005360.2); short protein forms R518C, R522C.
Identifiers: ClinVar variation 986927 (VCV000986927.8), dbSNP rs2072577342, ClinGen allele CA404039368.

ClinVar aggregate classification (germline): Likely pathogenic. Review status: reviewed by expert panel (3 of 4 stars). 4 submissions from 4 submitters: Likely pathogenic (1). 3 of the submissions do not count toward it. Last evaluated 2025-09-08.

Conditions:
Centronuclear myopathy (CNM). Also called: Centronuclear myopathy, congenital; Myotubular myopathy. Identifiers: Orphanet 595, MedGen C0175709, MONDO:0018947. Inheritance: All.
Charcot-Marie-Tooth disease dominant intermediate B (CMTDIB). Also called: CHARCOT-MARIE-TOOTH NEUROPATHY, DOMINANT INTERMEDIATE B; Charcot-Marie-Tooth disease dominant intermediate 1; CMT DI1; Charcot-Marie-Tooth disease dominant intermediate I. Identifiers: Orphanet 100044, Orphanet 228179, MedGen C1847902, MONDO:0011674, OMIM 606482.

Allele frequency attached by ClinVar (database versions not stated): gnomAD exomes below 0.00001; TOPMed 0.00001.
gnomAD v4.1: 1 of 1,599,578 alleles (0.000063%); highest among the groups gnomAD compares: Non-Finnish European, 0.000085%; no homozygotes.

Submissions (4):

ClinGen Congenital Myopathies Variant Curation Expert Panel, ClinGen
Classification: Likely pathogenic for Centronuclear myopathy. Last evaluated: 2025-09-08. Review status: reviewed by expert panel. Criteria: ClinGen CongenMyopathy ACMG Specifications DNM2 V1.0.0. Collection method: curation. Allele origin: germline. Inheritance: Autosomal dominant inheritance.
Comment: The variant NM_001005361.3:c.1564C>T in DNM2 is a missense variant predicted to cause substitution of arginine by cysteine at amino acid 522 (p.Arg522Cys). The highest population minor allele frequency in gnomAD v4.1.0 is 8.526e-7 (1/1172834 alleles) in non-Finnish European which meets PM2_Supporting. DNM2, in which the variant was identified, is defined by the ClinGen Congenital Myopathies VCEP as a gene that has a low rate of benign missense variation and where pathogenic missense variants are a common mechanism of disease (PP2). The REVEL computational prediction analysis tool produced a score of 0.746, which is above the threshold of 0.7, evidence that correlates with impact to DNM2 function (PP3). Two different missense variants, p.Arg522His and p.Arg522Leu (ClinVar IDs: 158514 and 373110), in the same codon have been classified as (likely) pathogenic on ClinVar, of which p.Arg522His has been classified as pathogenic for centronuclear myopathy by the ClinGen Congenital Myopathies VCEP (PM5). This variant has been reported in one proband with centronuclear myopathy who presented with predominantly distal muscle weakness, ptosis, ophthalmoplegia/ paresis, facial weakness, weak deep tendon reflexes, stepping gait, central nuclei, fiber hypotrophy, and Type 1 fiber predominance (0.25pts, PS4_Supporting; PMID: 22396310). In summary, the variant meets criteria to be classified as likely pathogenic for centronuclear myopathy. ACMG/AMP criteria met, as specified by the ClinGen Congenital Myopathies VCEP: PM5, PS4_Supporting, PM2_Supporting, PP2, PP3 (ClinGen Congenital Myopathies VCEP specifications version 1.0.0; September 8th, 2025).

Labcorp Genetics (formerly Invitae), Labcorp
Classification: Likely pathogenic for Charcot-Marie-Tooth disease dominant intermediate B. Last evaluated: 2024-04-11. Review status: criteria provided, single submitter. Criteria: Invitae Variant Classification Sherloc (09022015). Collection method: clinical testing. Allele origin: germline. Not counted in ClinVar's aggregate classification.
Comment: This sequence change replaces arginine, which is basic and polar, with cysteine, which is neutral and slightly polar, at codon 522 of the DNM2 protein (p.Arg522Cys). This variant is not present in population databases (gnomAD no frequency). This missense change has been observed in individual(s) with centronuclear myopathy (PMID: 22396310). ClinVar contains an entry for this variant (Variation ID: 986927). Advanced modeling of protein sequence and biophysical properties (such as structural, functional, and spatial information, amino acid conservation, physicochemical variation, residue mobility, and thermodynamic stability) has been performed at Invitae for this missense variant, however the output from this modeling did not meet the statistical confidence thresholds required to predict the impact of this variant on DNM2 protein function. This variant disrupts the p.Arg522 amino acid residue in DNM2. Other variant(s) that disrupt this residue have been determined to be pathogenic (PMID: 20227276, 22396310, 24465259, 25501959, 25957634, 26908122). This suggests that this residue is clinically significant, and that variants that disrupt this residue are likely to be disease-causing. In summary, the currently available evidence indicates that the variant is pathogenic, but additional data are needed to prove that conclusively. Therefore, this variant has been classified as Likely Pathogenic.

Institute of Medical Genetics and Applied Genomics, University Hospital Tübingen
Classification: Likely pathogenic. Last evaluated: 2020-10-23. Review status: criteria provided, single submitter. Criteria: ACMG Guidelines, 2015. Collection method: clinical testing. Allele origin: germline. Inheritance: Autosomal unknown. Affected: yes. Not counted in ClinVar's aggregate classification.

Inherited Neuropathy Consortium Ii, University Of Miami
Classification: Uncertain significance for Charcot-Marie-Tooth disease dominant intermediate B. Last evaluated: 2016-01-06. Review status: no assertion criteria provided. Collection method: literature only. Allele origin: germline. Affected: yes. Not counted in ClinVar's aggregate classification.

Literature cited by the submitters: PubMed 22396310 (cited by Labcorp Genetics (formerly Invitae), Labcorp and Inherited Neuropathy Consortium Ii, University Of Miami); PubMed 20227276 (cited by Labcorp Genetics (formerly Invitae), Labcorp); PubMed 24465259 (cited by Labcorp Genetics (formerly Invitae), Labcorp); PubMed 25501959 (cited by Labcorp Genetics (formerly Invitae), Labcorp); PubMed 25957634 (cited by Labcorp Genetics (formerly Invitae), Labcorp); PubMed 26908122 (cited by Labcorp Genetics (formerly Invitae), Labcorp).